The following is an entry in ClinVar:

ClinVar aggregate classification (germline): Pathogenic (1 of 4 stars; one submission).

Conditions:
Retinitis pigmentosa 38 (RP38). Also called: ROD-CONE DYSTROPHY, CHILDHOOD-ONSET. Identifiers: Orphanet 791, MedGen C3151228, MONDO:0013469, OMIM 613862.

Submission:

Broad Center for Mendelian Genomics, Broad Institute of MIT and Harvard
Classification: Pathogenic for Retinitis pigmentosa 38. Last evaluated: 2023-08-24. Review status: criteria provided, single submitter. Criteria: ACMG/ClinGen CNV Guidelines, 2019. Collection method: research. Allele origin: inherited. Inheritance: Autosomal recessive inheritance. Affected: yes.
Comment: These breakpoints have been estimated by exome sequencing only and therefore may not reflect the true breakpoints. The patient phenotype is nonspecific, but is consistent with cases described in the literature and/or published databases with overlapping variants. There is partial overlap with the 3’ and additional exons (NMD is expected to occur) of the MERTK gene. This alteration is then predicted to lead to a truncated or absent protein. Loss of function of MERTK is an established disease mechanism in autosomal recessive MERTK-related retinopathy. This exon deletion has also been reported in at least one other individual with retinitis pigmentosa, who was a compound heterozygote that carried a reported variant of uncertain significance in trans, which increases the likelihood that the exon 3-19 deletion variant is pathogenic (Variation ID: 866432; PMID: 29074561). A slightly larger overlapping deletion has been identified in 0.15% (14/9534) of African/African American chromosomes by the Genome Aggregation Database (gnomAD; Structural variant: DEL_2_21010). Although a deletion overlapping the region of this CNV has been seen in the general population in a heterozygous state, its frequency is not high enough to rule out a pathogenic role. In summary, this variant meets criteria to be classified as pathogenic for autosomal recessive retinitis pigmentosa. The ACMG/ClinGen evidence codes and points used in this curation are as follows: 1: 0 points, 2: 0.90 points, 3: 0 points, 4-5: 0.23 points; Total: 1.13 points; Riggs 2020 (PMID: 31690835).

Literature cited by the submitters: PubMed 29074561.

GRCh38/hg38 2q13(chr2:111940205-112029659)x0

Genes: MERTK (MER proto-oncogene, tyrosine kinase; plus strand), LOC112806037 (Sharpr-MPRA regulatory region 3720; plus strand), LOC122817727 (Sharpr-MPRA regulatory region 10261; plus strand). Cytogenetic location: 2q13.
Variant type: copy number loss.
Change: copy number 0 (both copies lost) of chr2:111,940,205-112,029,659 (89.5 kb, GRCh38 coordinates, 1-based), cytogenetic band 2q13.
Identifiers: ClinVar variation 2579252 (VCV002579252.1).